The following is an entry in ClinVar:

NM_032520.5(GNPTG):c.758C>G (p.Ser253Ter)

Gene: GNPTG (N-acetylglucosamine-1-phosphate transferase subunit gamma; plus strand). Cytogenetic location: 16p13.3.
Variant type: single nucleotide variant.
Coding change: c.758C>G on transcript NM_032520.5 (MANE Select); coding-DNA position 758, C replaced by G.
Protein change: p.Ser253Ter; replaces serine 253 with a stop codon.
Molecular consequence: nonsense.
Genome position (GRCh38, 1-based): chr16:1,362,841, C>G. VCF-style: chr16-1362841-C-G. GRCh37 (hg19) VCF-style: chr16-1412842-C-G.
Other names: short protein forms S253*.
Identifiers: ClinVar variation 4854385 (VCV004854385.1).
Genomic context (GRCh38, chr16:1,362,841, plus strand): 5'-TCCAGCACCTGGGCTTTCCCTTGAACTCTTTTTGTGGTTGGTAGGCTCATAAAGAACTCT[C>G]AAAGGAGATCAAAAGGCTGAAAGGTTTGCTCACCCAGCACGGCATCCCCTACACGAGGCC-3'

ClinVar aggregate classification (germline): Likely pathogenic (1 of 4 stars; one submission).

Conditions:
GNPTG-mucolipidosis. Also called: Mucolipidosis type III gamma; MUCOLIPIDOSIS III, COMPLEMENTATION GROUP C; MUCOLIPIDOSIS III, IRANIAN VARIANT FORM; MUCOLIPIDOSIS III, VARIANT FORM; ML III GAMMA; ML IIIC. Identifiers: Orphanet 423470, Orphanet 577, MedGen C1854896, MONDO:0009652, OMIM 252605.

gnomAD v4.1: 1 of 1,613,888 alleles (0.000062%); highest among the groups gnomAD compares: Non-Finnish European, 0.000085%; no homozygotes.

Submission:

3billion
Classification: Likely pathogenic for GNPTG-mucolipidosis. Last evaluated: 2025-11-29. Review status: criteria provided, single submitter. Criteria: ACMG Guidelines, 2015. Collection method: clinical testing. Allele origin: germline. Affected: yes.
Comment: The variant is observed at an extremely low frequency in the gnomAD v4.1.0 dataset (total allele frequency: <0.001%). Predicted Consequence/Location: Stop-gained (nonsense): predicted to result in a loss or disruption of normal protein function through nonsense-mediated decay (NMD) or protein truncation. Multiple pathogenic variants are reported downstream of the variant. Therefore, this variant is classified as Likely pathogenic according to the recommendation of ACMG/AMP guideline.